The following is an entry in ClinVar:

ClinVar aggregate classification (germline): Uncertain significance (1 of 4 stars; one submission).

gnomAD v4.1: 5 of 1,591,592 alleles (0.00031%); highest among the groups gnomAD compares: Admixed American, 0.0017%; no homozygotes.

Submission:

Labcorp Genetics (formerly Invitae), Labcorp
Classification: Uncertain significance. Last evaluated: 2024-02-19. Review status: criteria provided, single submitter. Criteria: Invitae Variant Classification Sherloc (09022015). Collection method: clinical testing. Allele origin: germline.
Comment: This sequence change replaces asparagine, which is neutral and polar, with aspartic acid, which is acidic and polar, at codon 569 of the IFT88 protein (p.Asn569Asp). This variant is present in population databases (rs748111385, gnomAD 0.003%). This variant has not been reported in the literature in individuals affected with IFT88-related conditions. An algorithm developed to predict the effect of missense changes on protein structure and function (PolyPhen-2) suggests that this variant is likely to be tolerated. Algorithms developed to predict the effect of sequence changes on RNA splicing suggest that this variant may create or strengthen a splice site. In summary, the available evidence is currently insufficient to determine the role of this variant in disease. Therefore, it has been classified as a Variant of Uncertain Significance.

NM_006531.5(IFT88):c.1678A>G (p.Asn560Asp)

Gene: IFT88 (intraflagellar transport 88; plus strand). Cytogenetic location: 13q12.11.
Variant type: single nucleotide variant.
Coding change: c.1678A>G on transcript NM_006531.5 (MANE Select); coding-DNA position 1678, A replaced by G.
Protein change: p.Asn560Asp; replaces asparagine 560 with aspartic acid.
Molecular consequence: missense variant. On other transcripts: non-coding transcript variant (4).
Genome position (GRCh38, 1-based): chr13:20,641,394, A>G. VCF-style: chr13-20641394-A-G. GRCh37 (hg19) VCF-style: chr13-21215533-A-G.
Other names: c.1621A>G, p.Asn541Asp (NM_001318491.2, NM_001353575.2); c.1705A>G, p.Asn569Asp (NM_001318493.2, NM_001353565.2, NM_001353566.2 and 2 more transcripts); c.1678A>G, p.Asn560Asp (NM_001353568.2, NM_001353572.2); c.1603A>G, p.Asn535Asp (NM_001353569.2, NM_001353570.2, NM_001353576.2 and 1 more transcripts); c.1576A>G, p.Asn526Asp (NM_001353571.2, NM_001353578.2); c.1534A>G, p.Asn512Asp (NM_001353573.2); c.1519A>G, p.Asn507Asp (NM_001353574.2); c.1045A>G, p.Asn349Asp (NM_001353579.2); short protein forms N349D, N507D, N512D, N526D, N535D, N541D, N560D, N569D.
Identifiers: ClinVar variation 3608165 (VCV003608165.2).
Genomic context (GRCh38, chr13:20,641,394, plus strand): 5'-TGTTTCCTGAAACTTCACGCAATCCTACGAAACAGTGCCGAAGTTCTTTACCAGATAGCA[A>G]ATATGTATCTTATTTGAAAACCTTAGGGACAGTTATTAATTCTCTCAATTGGTGATTGAA-3'
Protein context (NP_006522.2, residues 550-570): NSAEVLYQIA[Asn560Asp]IYELMENPSQ